The following is an entry in ClinVar:

NM_000203.5(IDUA):c.1030G>A (p.Ala344Thr)

Gene: IDUA (alpha-L-iduronidase; plus strand). Cytogenetic location: 4p16.3.
Variant type: single nucleotide variant.
Coding change: c.1030G>A on transcript NM_000203.5 (MANE Select); coding-DNA position 1030, G replaced by A.
Protein change: p.Ala344Thr; replaces alanine 344 with threonine.
Molecular consequence: missense variant. On other transcripts: non-coding transcript variant (1).
Genome position (GRCh38, 1-based): chr4:1,002,326, G>A. VCF-style: chr4-1002326-G-A. GRCh37 (hg19) VCF-style: chr4-996114-G-A.
Other names: c.634G>A, p.Ala212Thr (NM_001363576.1); short protein forms A212T, A344T.
Identifiers: ClinVar variation 3108061 (VCV003108061.3), dbSNP rs754095810, ClinGen allele CA2802167.

ClinVar aggregate classification (germline): Uncertain significance. Review status: criteria provided, multiple submitters, no conflicts (2 of 4 stars). 2 submissions from 2 submitters: Uncertain significance (2). Last evaluated 2025-12-15.

Conditions:
Inborn genetic diseases. Identifiers: MedGen C0950123, MeSH D030342.
Mucopolysaccharidosis type 1. Also called: IDUA deficiency; MPS I; Mucopolysaccharidosis Type I. Identifiers: Orphanet 579, MedGen C0023786, MONDO:0001586.

Allele frequency attached by ClinVar (database versions not stated): gnomAD exomes 0.00001; ExAC 0.00004; gnomAD 0.00005; TOPMed 0.00006.

Submissions (2):

Labcorp Genetics (formerly Invitae), Labcorp
Classification: Uncertain significance for Mucopolysaccharidosis type 1. Last evaluated: 2025-12-15. Review status: criteria provided, single submitter. Criteria: Invitae Variant Classification Sherloc (09022015). Collection method: clinical testing. Allele origin: germline.
Comment: This sequence change replaces alanine, which is neutral and non-polar, with threonine, which is neutral and polar, at codon 344 of the IDUA protein (p.Ala344Thr). This variant is present in population databases (rs754095810, gnomAD 0.02%). This variant has not been reported in the literature in individuals affected with IDUA-related conditions. ClinVar contains an entry for this variant (Variation ID: 3108061). Invitae Evidence Modeling of protein sequence and biophysical properties (such as structural, functional, and spatial information, amino acid conservation, physicochemical variation, residue mobility, and thermodynamic stability) indicates that this missense variant is not expected to disrupt IDUA protein function with a negative predictive value of 95%. In summary, the available evidence is currently insufficient to determine the role of this variant in disease. Therefore, it has been classified as a Variant of Uncertain Significance.

Ambry Genetics
Classification: Uncertain significance for Inborn genetic diseases. Last evaluated: 2024-12-28. Review status: criteria provided, single submitter. Criteria: Ambry Variant Classification Scheme 2023. Collection method: clinical testing. Allele origin: germline.
Comment: The p.A344T variant (also known as c.1030G>A), located in coding exon 8 of the IDUA gene, results from a G to A substitution at nucleotide position 1030. The alanine at codon 344 is replaced by threonine, an amino acid with similar properties. This amino acid position is conserved. In addition, this alteration is predicted to be tolerated by in silico analysis. Based on the available evidence, the clinical significance of this variant remains unclear.